The following is an entry in ClinVar:

ClinVar aggregate classification (germline): Conflicting classifications of pathogenicity. Review status: criteria provided, conflicting classifications (1 of 4 stars). 7 submissions from 6 submitters: Uncertain significance (1); Benign (2); Likely benign (3). 1 of the submissions does not count toward it. Last evaluated 2026-01-18.

Conditions:
Mitochondrial complex IV deficiency, nuclear type 1 (MC4DN1). Also called: Mitochondrial complex IV deficiency; Complex 4 mitochondrial respiratory chain deficiency; Deficiency of mitochondrial respiratory chain complex4; Complex IV deficiency; COX DEFICIENCY. Identifiers: MedGen C5435656, MONDO:0700250, OMIM 220110. Disease mechanism: loss of function.
COX10-related disorder. Also called: COX10-related condition.
Leigh syndrome (NULS). Also called: Subacute necrotizing encephalopathy; Necrotizing encephalopathy infantile subacute of Leigh; LEIGH SYNDROME, NUCLEAR; Leigh Syndrome (mtDNA deletion); Leigh's syndrome; Leigh's necrotizing encephalopathy. Identifiers: Orphanet 506, MedGen C2931891, MONDO:0009723, OMIM 256000.

Allele frequency attached by ClinVar (database versions not stated): 1000 Genomes Project 0.00060; 1000 Genomes Project 30x 0.00062; gnomAD 0.00090 and 0.00092; TOPMed 0.00095; ESP Exome Variant Server 0.00131.
gnomAD v4.1: 1,250 of 1,613,854 alleles (0.077%); highest among the groups gnomAD compares: Middle Eastern, 0.45%; 3 homozygotes.

Submissions (7):

Labcorp Genetics (formerly Invitae), Labcorp
Classification: Benign. Last evaluated: 2026-01-18. Review status: criteria provided, single submitter. Criteria: Invitae Variant Classification Sherloc (09022015). Collection method: clinical testing. Allele origin: germline.

CeGaT Center for Human Genetics Tuebingen
Classification: Likely benign. Last evaluated: 2024-11-01. Review status: criteria provided, single submitter. Criteria: CeGaT Center For Human Genetics Tuebingen Variant Classification Criteria Version 2. Collection method: clinical testing. Allele origin: germline. Affected: yes. Observed: 1 variant allele.
Comment: COX10: BP4, BS2

Blueprint Genetics
Classification: Likely benign. Last evaluated: 2024-10-25. Review status: criteria provided, single submitter. Criteria: ACMG Guidelines, 2015. Collection method: clinical testing. Allele origin: germline.

GeneDx
Classification: Benign. Last evaluated: 2019-09-24. Review status: criteria provided, single submitter. Criteria: GeneDx Variant Classification Process June 2021. Collection method: clinical testing. Allele origin: germline. Affected: yes.
Comment: This variant is associated with the following publications: (PMID: 23814038)

Illumina Laboratory Services, Illumina
Classification: Likely benign for Leigh syndrome. Last evaluated: 2017-05-31. Review status: criteria provided, single submitter. Criteria: ICSL Variant Classification Criteria 13 December 2019. Collection method: clinical testing. Allele origin: germline.
Comment: This variant was observed as part of a predisposition screen in an ostensibly healthy population. A literature search was performed for the gene, cDNA change, and amino acid change (where applicable). No publications were found based on this search. Allele frequency data from public databases allowed determination this variant is unlikely to cause disease. Therefore, this variant is classified as likely benign.

Illumina Laboratory Services, Illumina
Classification: Uncertain significance for Mitochondrial complex IV deficiency, nuclear type 1. Last evaluated: 2017-05-31. Review status: criteria provided, single submitter. Criteria: ICSL Variant Classification Criteria 13 December 2019. Collection method: clinical testing. Allele origin: germline.
Comment: This variant was observed as part of a predisposition screen in an ostensibly healthy population. A literature search was performed for the gene, cDNA change, and amino acid change (where applicable). Publications were found based on this search. However, the evidence from the literature, in combination with allele frequency data from public databases where available, was not sufficient to rule this variant in or out of causing disease. Therefore, this variant is classified as a variant of unknown significance.

PreventionGenetics, part of Exact Sciences
Classification: Benign for COX10-related condition. Last evaluated: 2019-08-02. Review status: no assertion criteria provided. Collection method: clinical testing. Allele origin: germline. Not counted in ClinVar's aggregate classification.
Comment: This variant is classified as benign based on ACMG/AMP sequence variant interpretation guidelines (Richards et al. 2015 PMID: 25741868, with internal and published modifications).

Literature cited by the submitters: PubMed 23814038 (cited by Illumina Laboratory Services, Illumina).

NM_001303.4(COX10):c.93C>A (p.Asp31Glu)

Gene: COX10 (cytochrome c oxidase assembly factor heme A:farnesyltransferase COX10; plus strand). Cytogenetic location: 17p12.
Variant type: single nucleotide variant.
Coding change: c.93C>A on transcript NM_001303.4 (MANE Select); coding-DNA position 93, C replaced by A.
Protein change: p.Asp31Glu; replaces aspartic acid 31 with glutamic acid.
Molecular consequence: missense variant.
Genome position (GRCh38, 1-based): chr17:14,074,372, C>A. VCF-style: chr17-14074372-C-A. GRCh37 (hg19) VCF-style: chr17-13977689-C-A.
Other names: short protein forms D31E.
Identifiers: ClinVar variation 377746 (VCV000377746.32), dbSNP rs141481210, ClinGen allele CA8402242.